The following is an entry in ClinVar:

ClinVar aggregate classification (germline): Uncertain significance (1 of 4 stars; one submission).

Submission:

Labcorp Genetics (formerly Invitae), Labcorp
Classification: Uncertain significance. Last evaluated: 2022-06-19. Review status: criteria provided, single submitter. Criteria: Invitae Variant Classification Sherloc (09022015). Collection method: clinical testing. Allele origin: germline.
Comment: In summary, the available evidence is currently insufficient to determine the role of this variant in disease. Therefore, it has been classified as a Variant of Uncertain Significance. Experimental studies and prediction algorithms are not available or were not evaluated, and the functional significance of this variant is currently unknown. This variant has not been reported in the literature in individuals affected with DNAH9-related conditions. This variant is present in population databases (rs748794044, gnomAD 0.006%). This variant, c.8443_8451del, results in the deletion of 3 amino acid(s) of the DNAH9 protein (p.Glu2815_Pro2817del), but otherwise preserves the integrity of the reading frame.

NM_001372.4(DNAH9):c.8443_8451del (p.Glu2815_Pro2817del)

Gene: DNAH9 (dynein axonemal heavy chain 9; plus strand). Cytogenetic location: 17p12.
Variant type: Deletion.
Coding change: c.8443_8451del on transcript NM_001372.4 (MANE Select); coding-DNA positions 8443 to 8451, 9 bases deleted (GAGTCCCCG; older notation c.8443_8451delGAGTCCCCG).
Protein change: p.Glu2815_Pro2817del.
Molecular consequence: inframe deletion.
Genome position (GRCh38, 1-based): chr17:11,807,754-11,807,762, GAGTCCCCG deleted; deleting any 9 consecutive bases within chr17:11,807,753-11,807,762 gives the same sequence; the c. name uses the placement nearest the transcript's 3' end. VCF-style (leftmost placement, unchanged base first): chr17-11807752-TGGAGTCCCC-T. GRCh37 (hg19) VCF-style: chr17-11711069-TGGAGTCCCC-T.
Identifiers: ClinVar variation 2062470 (VCV002062470.4), dbSNP rs748794044, ClinGen allele CA8396933.